The following is an entry in ClinVar:

NM_007194.4(CHEK2):c.-6-12T>A

Gene: CHEK2 (checkpoint kinase 2; minus strand). Cytogenetic location: 22q12.1.
Variant type: single nucleotide variant.
Coding change: c.-6-12T>A on transcript NM_007194.4 (MANE Select); 12 bases into the intron before 6 bases upstream of the start codon, T replaced by A.
Molecular consequence: intron variant.
Genome position (GRCh38, 1-based): chr22:28,734,739, A>T on the plus strand (T>A on the coding strand, the complement: CHEK2 is on the minus strand). VCF-style: chr22-28734739-A-T. GRCh37 (hg19) VCF-style: chr22-29130727-A-T.
Other names: c.-345+7030T>A (NM_001437942.1); c.-6-12T>A (NM_001349956.3, NM_145862.3, NM_001438295.1 and 3 more transcripts); c.-783-12T>A (NM_001257387.3).
Identifiers: ClinVar variation 419623 (VCV000419623.5), dbSNP rs1064793997, ClinGen allele CA16621087.

ClinVar aggregate classification (germline): Uncertain significance. Review status: criteria provided, multiple submitters, no conflicts (2 of 4 stars). 2 submissions from 2 submitters: Uncertain significance (2). Last evaluated 2022-12-05.

Conditions:
Hereditary cancer-predisposing syndrome. Also called: Hereditary neoplastic syndrome; Tumor predisposition; Neoplastic Syndromes, Hereditary; Hereditary Cancer Syndrome. Identifiers: Orphanet 140162, MedGen C0027672, MeSH D009386, MONDO:0015356.

Allele frequency attached by ClinVar (database versions not stated): gnomAD exomes below 0.00001; TOPMed below 0.00001.
gnomAD v4.1: 1 of 1,612,130 alleles (0.000062%); highest among the groups gnomAD compares: Non-Finnish European, 0.000085%; no homozygotes.

Submissions (2):

GeneDx
Classification: Uncertain significance. Last evaluated: 2022-12-05. Review status: criteria provided, single submitter. Criteria: GeneDx Variant Classification Process June 2021. Collection method: clinical testing. Allele origin: germline. Affected: yes.
Comment: Not observed at significant frequency in large population cohorts (gnomAD); In silico analysis supports that this variant does not alter splicing; Has not been previously published as pathogenic or benign to our knowledge

Color Diagnostics, LLC DBA Color Health
Classification: Uncertain significance for Hereditary cancer-predisposing syndrome. Last evaluated: 2019-02-06. Review status: criteria provided, single submitter. Criteria: ACMG Guidelines, 2015. Collection method: clinical testing. Allele origin: germline.